The following is an entry in ClinVar:

NM_014762.4(DHCR24):c.1086G>A (p.Lys362=)

Gene: DHCR24 (24-dehydrocholesterol reductase; minus strand). Cytogenetic location: 1p32.3.
Variant type: single nucleotide variant.
Coding change: c.1086G>A on transcript NM_014762.4 (MANE Select); coding-DNA position 1086, G replaced by A.
Protein change: p.Lys362=; no amino-acid change (lysine 362 retained).
Molecular consequence: synonymous variant.
Genome position (GRCh38, 1-based): chr1:54,854,169, C>T on the plus strand (G>A on the coding strand, the complement: DHCR24 is on the minus strand). VCF-style: chr1-54854169-C-T. GRCh37 (hg19) VCF-style: chr1-55319842-C-T.
Identifiers: ClinVar variation 722330 (VCV000722330.12), dbSNP rs75715411, ClinGen allele CA870634.

ClinVar aggregate classification (germline): Benign. Review status: criteria provided, multiple submitters, no conflicts (2 of 4 stars). 3 submissions from 3 submitters: Benign (2). 1 of the submissions does not count toward it. Last evaluated 2025-12-23.

Conditions:
DHCR24-related disorder. Also called: DHCR24-related condition.

Allele frequency attached by ClinVar (database versions not stated): gnomAD exomes 0.00009 and 0.00030; ExAC 0.00038; gnomAD 0.00103 and 0.00107; TOPMed 0.00127; 1000 Genomes Project 30x 0.00172; 1000 Genomes Project 0.00180; ESP Exome Variant Server 0.00215.

Submissions (3):

Labcorp Genetics (formerly Invitae), Labcorp
Classification: Benign. Last evaluated: 2025-12-23. Review status: criteria provided, single submitter. Criteria: Invitae Variant Classification Sherloc (09022015). Collection method: clinical testing. Allele origin: germline.

Breakthrough Genomics
Classification: Benign. Review status: criteria provided, single submitter. Criteria: ACMG Guidelines, 2015. Collection method: not provided. Allele origin: germline. Inheritance: Autosomal recessive inheritance. Affected: yes.

PreventionGenetics, part of Exact Sciences
Classification: Likely benign for DHCR24-related condition. Last evaluated: 2019-10-04. Review status: no assertion criteria provided. Collection method: clinical testing. Allele origin: germline. Not counted in ClinVar's aggregate classification.
Comment: This variant is classified as likely benign based on ACMG/AMP sequence variant interpretation guidelines (Richards et al. 2015 PMID: 25741868, with internal and published modifications).